The following is an entry in ClinVar:

NM_000128.4(F11):c.1026dup (p.Lys343fs)

Gene: F11 (coagulation factor XI; plus strand). Cytogenetic location: 4q35.2.
Variant type: Duplication.
Coding change: c.1026dup on transcript NM_000128.4 (MANE Select); coding-DNA position 1026, one base duplicated (G; older notation c.1026dupG).
Protein change: p.Lys343fs; shifts the reading frame from lysine 343.
Molecular consequence: frameshift variant.
Genome position (GRCh38, 1-based): chr4:186,280,383, G duplicated; the last of 3 consecutive G bases (chr4:186,280,381-186,280,383); duplicating any one gives the same sequence. VCF-style (leftmost placement, unchanged base first): chr4-186280380-A-AG. GRCh37 (hg19) VCF-style: chr4-187201534-A-AG.
Other names: c.978dup, p.Lys327fs (NM_001440590.1, NM_001440596.1); c.1026dup, p.Lys343fs (NM_001440593.1); c.756dup, p.Lys253fs (NM_001440605.1, NM_001440607.1); c.708dup, p.Lys237fs (NM_001440606.1, NM_001440608.1); short protein forms K237fs, K253fs, K327fs, K343fs.
Identifiers: ClinVar variation 5013942 (VCV005013942.1).

ClinVar aggregate classification (germline): Pathogenic (1 of 4 stars; one submission).

Conditions:
Hereditary factor XI deficiency disease. Also called: PLASMA THROMBOPLASTIN ANTECEDENT DEFICIENCY; PTA DEFICIENCY; ROSENTHAL SYNDROME; Congenital factor XI deficiency. Identifiers: Orphanet 329, MedGen C0015523, MeSH D005173, MONDO:0012897, OMIM 612416.

Submission:

Myriad Genetics, Inc.
Classification: Pathogenic for Hereditary factor XI deficiency disease. Last evaluated: 2024-08-25. Review status: criteria provided, single submitter. Criteria: Myriad Autosomal Dominant, Autosomal Recessive and X-Linked Classification Criteria (2023). Collection method: clinical testing. Allele origin: unknown.
Comment: NM_000128.3(F11):c.1026dupG(K343Efs*16) is expected to be pathogenic in the context of factor XI deficiency. This variant is predicted to lead to an abnormal or absent protein product due to the creation of a premature termination codon in F11, a gene where loss-of-function variants are known to be pathogenic. Please note: this variant was assessed in the context of healthy population screening.